The following is an entry in ClinVar:

ClinVar aggregate classification (germline): Uncertain significance (1 of 4 stars; one submission).

Conditions:
Hereditary cancer-predisposing syndrome. Also called: Tumor predisposition; Neoplastic Syndromes, Hereditary; Hereditary neoplastic syndrome; Hereditary Cancer Syndrome. Identifiers: Orphanet 140162, MedGen C0027672, MeSH D009386, MONDO:0015356.

Submission:

Ambry Genetics
Classification: Uncertain significance for Hereditary cancer-predisposing syndrome. Last evaluated: 2025-07-13. Review status: criteria provided, single submitter. Criteria: Ambry Variant Classification Scheme 2023. Collection method: clinical testing. Allele origin: germline.
Comment: The p.H302L variant (also known as c.905A>T), located in coding exon 8 of the MRE11A gene, results from an A to T substitution at nucleotide position 905. The histidine at codon 302 is replaced by leucine, an amino acid with similar properties. This amino acid position is conserved. In addition, this alteration is predicted to be tolerated by in silico analysis. Based on the available evidence, the clinical significance of this variant remains unclear.

NM_005591.4(MRE11):c.905A>T (p.His302Leu)

Gene: MRE11 (MRE11 double strand break repair nuclease; minus strand). Cytogenetic location: 11q21.
Variant type: single nucleotide variant.
Coding change: c.905A>T on transcript NM_005591.4 (MANE Select); coding-DNA position 905, A replaced by T.
Protein change: p.His302Leu; replaces histidine 302 with leucine.
Molecular consequence: missense variant.
Genome position (GRCh38, 1-based): chr11:94,470,583, T>A on the plus strand (A>T on the coding strand, the complement: MRE11 is on the minus strand). VCF-style: chr11-94470583-T-A. GRCh37 (hg19) VCF-style: chr11-94203749-T-A.
Other names: c.905A>T, p.His302Leu (NM_001330347.2, NM_001440460.1, NM_001440461.1 and 18 more transcripts); c.830A>T, p.His277Leu (NM_001440471.1, NM_001440472.1, NM_001440479.1); c.560A>T, p.His187Leu (NM_001440482.1, NM_001440483.1, NM_001440484.1); c.437A>T, p.His146Leu (NM_001440485.1, NM_001440486.1, NM_001440487.1); short protein forms H146L, H277L, H302L, H187L.
Identifiers: ClinVar variation 4110084 (VCV004110084.1).